The following is an entry in ClinVar:

ClinVar aggregate classification (germline): Uncertain significance (1 of 4 stars; one submission).

gnomAD v4.1: 1 of 1,550,560 alleles (0.000064%); highest among the groups gnomAD compares: Non-Finnish European, 0.000087%; no homozygotes.

Submission:

Labcorp Genetics (formerly Invitae), Labcorp
Classification: Uncertain significance. Last evaluated: 2022-06-04. Review status: criteria provided, single submitter. Criteria: Invitae Variant Classification Sherloc (09022015). Collection method: clinical testing. Allele origin: germline.
Comment: This sequence change replaces aspartic acid, which is acidic and polar, with glycine, which is neutral and non-polar, at codon 1656 of the EYS protein (p.Asp1656Gly). This variant is present in population databases (no rsID available, gnomAD 0.002%). This variant has not been reported in the literature in individuals affected with EYS-related conditions. Algorithms developed to predict the effect of missense changes on protein structure and function output the following: SIFT: "Tolerated"; PolyPhen-2: "Probably Damaging"; Align-GVGD: "Class C0". The glycine amino acid residue is found in multiple mammalian species, which suggests that this missense change does not adversely affect protein function. In summary, the available evidence is currently insufficient to determine the role of this variant in disease. Therefore, it has been classified as a Variant of Uncertain Significance.

NM_001142800.2(EYS):c.4967A>G (p.Asp1656Gly)

Gene: EYS (eyes shut homolog; minus strand). Cytogenetic location: 6q12.
Variant type: single nucleotide variant.
Coding change: c.4967A>G on transcript NM_001142800.2 (MANE Select); coding-DNA position 4967, A replaced by G.
Protein change: p.Asp1656Gly; replaces aspartic acid 1656 with glycine.
Molecular consequence: missense variant.
Genome position (GRCh38, 1-based): chr6:64,590,900, T>C on the plus strand (A>G on the coding strand, the complement: EYS is on the minus strand). VCF-style: chr6-64590900-T-C. GRCh37 (hg19) VCF-style: chr6-65300793-T-C.
Other names: c.4967A>G, p.Asp1656Gly (NM_001292009.2); short protein forms D1656G.
Identifiers: ClinVar variation 2055900 (VCV002055900.1), dbSNP rs1219684922, ClinGen allele CA364782149.